The following is an entry in ClinVar:

NM_012233.3(RAB3GAP1):c.1855C>T (p.Arg619Trp)

Gene: RAB3GAP1 (RAB3 GTPase activating protein catalytic subunit 1; plus strand). Cytogenetic location: 2q21.3.
Variant type: single nucleotide variant.
Coding change: c.1855C>T on transcript NM_012233.3 (MANE Select); coding-DNA position 1855, C replaced by T.
Protein change: p.Arg619Trp; replaces arginine 619 with tryptophan.
Molecular consequence: missense variant.
Genome position (GRCh38, 1-based): chr2:135,135,864, C>T. VCF-style: chr2-135135864-C-T. GRCh37 (hg19) VCF-style: chr2-135893434-C-T.
Other names: c.1855C>T, p.Arg619Trp (NM_001172435.2); c.1855C>T (NM_012233.2); short protein forms R619W.
Identifiers: ClinVar variation 2026480 (VCV002026480.3), dbSNP rs761783875, ClinGen allele CA1884933.

ClinVar aggregate classification (germline): Uncertain significance. Review status: criteria provided, multiple submitters, no conflicts (2 of 4 stars). 2 submissions from 2 submitters: Uncertain significance (2). Last evaluated 2025-09-02.

Conditions:
Inborn genetic diseases. Identifiers: MedGen C0950123, MeSH D030342.

Allele frequency attached by ClinVar (database versions not stated): gnomAD exomes 0.00001; gnomAD 0.00003; ExAC 0.00004; TOPMed 0.00002.
gnomAD v4.1: 17 of 1,613,890 alleles (0.0011%); highest among the groups gnomAD compares: East Asian, 0.013%; no homozygotes.

Submissions (2):

Labcorp Genetics (formerly Invitae), Labcorp
Classification: Uncertain significance. Last evaluated: 2025-09-02. Review status: criteria provided, single submitter. Criteria: Invitae Variant Classification Sherloc (09022015). Collection method: clinical testing. Allele origin: germline.
Comment: This sequence change replaces arginine, which is basic and polar, with tryptophan, which is neutral and slightly polar, at codon 619 of the RAB3GAP1 protein (p.Arg619Trp). This variant is present in population databases (rs761783875, gnomAD 0.03%). This variant has not been reported in the literature in individuals affected with RAB3GAP1-related conditions. ClinVar contains an entry for this variant (Variation ID: 2026480). Invitae Evidence Modeling of protein sequence and biophysical properties (such as structural, functional, and spatial information, amino acid conservation, physicochemical variation, residue mobility, and thermodynamic stability) indicates that this missense variant is expected to disrupt RAB3GAP1 protein function with a positive predictive value of 80%. In summary, the available evidence is currently insufficient to determine the role of this variant in disease. Therefore, it has been classified as a Variant of Uncertain Significance.

Ambry Genetics
Classification: Uncertain significance for Inborn genetic diseases. Last evaluated: 2023-10-20. Review status: criteria provided, single submitter. Criteria: Ambry Variant Classification Scheme 2023. Collection method: clinical testing. Allele origin: germline.